The following is an entry in ClinVar:

NM_003190.5(TAPBP):c.1319del (p.Cys440fs)

Gene: TAPBP (TAP binding protein; minus strand). Cytogenetic location: 6p21.32.
Variant type: Deletion.
Coding change: c.1319del on transcript NM_003190.5 (MANE Select); coding-DNA position 1319, one base deleted (G; older notation c.1319delG).
Protein change: p.Cys440fs; shifts the reading frame from cysteine 440.
Molecular consequence: frameshift variant. On other transcripts: intron variant (1).
Genome position (GRCh38, 1-based): chr6:33,303,971, C deleted on the plus strand (G on the coding strand, the reverse complement: TAPBP is on the minus strand). VCF-style (leftmost placement, unchanged base first): chr6-33303970-GC-G. GRCh37 (hg19) VCF-style: chr6-33271747-GC-G.
Other names: c.1319del, p.Cys440fs (NM_172208.3); c.1058del, p.Cys353fs (NM_172209.3); c.1300+157del (NM_001410875.1); short protein forms C353fs, C440fs.
Identifiers: ClinVar variation 3660272 (VCV003660272.2).

ClinVar aggregate classification (germline): Uncertain significance (1 of 4 stars; one submission).

Conditions:
MHC class I deficiency. Identifiers: Orphanet 34592, MedGen C6024714, MONDO:0011476.

Submission:

Labcorp Genetics (formerly Invitae), Labcorp
Classification: Uncertain significance for MHC class I deficiency 1. Last evaluated: 2024-07-23. Review status: criteria provided, single submitter. Criteria: Invitae Variant Classification Sherloc (09022015). Collection method: clinical testing. Allele origin: germline.
Comment: This sequence change results in a frameshift in the TAPBP gene (p.Cys440Serfs*34). While this is not anticipated to result in nonsense mediated decay, it is expected to disrupt the last 9 amino acid(s) of the TAPBP protein and extend the protein by 24 additional amino acid residues. This variant is not present in population databases (gnomAD no frequency). This variant has not been reported in the literature in individuals affected with TAPBP-related conditions. Experimental studies and prediction algorithms are not available or were not evaluated, and the functional significance of this variant is currently unknown. In summary, the available evidence is currently insufficient to determine the role of this variant in disease. Therefore, it has been classified as a Variant of Uncertain Significance.